The following is an entry in ClinVar:

ClinVar aggregate classification (germline): Uncertain significance (1 of 4 stars; one submission).

Submission:

GeneDx
Classification: Uncertain significance. Last evaluated: 2024-11-19. Review status: criteria provided, single submitter. Criteria: GeneDx Variant Classification Process June 2021. Collection method: clinical testing. Allele origin: germline. Affected: yes.
Comment: Not observed at significant frequency in large population cohorts (gnomAD); In silico analysis supports that this missense variant has a deleterious effect on protein structure/function; Has not been previously published as pathogenic or benign to our knowledge

NM_005006.7(NDUFS1):c.349A>G (p.Met117Val)

Gene: NDUFS1 (NADH:ubiquinone oxidoreductase core subunit S1; minus strand). Cytogenetic location: 2q33.3.
Variant type: single nucleotide variant.
Coding change: c.349A>G on transcript NM_005006.7 (MANE Select); coding-DNA position 349, A replaced by G.
Protein change: p.Met117Val; replaces methionine 117 with valine.
Molecular consequence: missense variant.
Genome position (GRCh38, 1-based): chr2:206,147,824, T>C on the plus strand (A>G on the coding strand, the complement: NDUFS1 is on the minus strand). VCF-style: chr2-206147824-T-C. GRCh37 (hg19) VCF-style: chr2-207012548-T-C.
Other names: c.241A>G, p.Met81Val (NM_001199981.2); c.16A>G, p.Met6Val (NM_001199982.2); c.178A>G, p.Met60Val (NM_001199983.2); c.391A>G, p.Met131Val (NM_001199984.2); short protein forms M117V, M131V, M60V, M6V, M81V.
Identifiers: ClinVar variation 3899416 (VCV003899416.1).